The following is an entry in ClinVar:

ClinVar aggregate classification (germline): Pathogenic (1 of 4 stars; one submission).

Conditions:
Alstrom syndrome (ALMS). Identifiers: Orphanet 64, MedGen C0268425, MONDO:0008763, OMIM 203800.

Submission:

Labcorp Genetics (formerly Invitae), Labcorp
Classification: Pathogenic for Alstrom syndrome. Last evaluated: 2023-11-06. Review status: criteria provided, single submitter. Criteria: Invitae Variant Classification Sherloc (09022015). Collection method: clinical testing. Allele origin: germline.
Comment: This sequence change creates a premature translational stop signal (p.Lys3185Argfs*2) in the ALMS1 gene. It is expected to result in an absent or disrupted protein product. Loss-of-function variants in ALMS1 are known to be pathogenic (PMID: 17594715). This variant is not present in population databases (gnomAD no frequency). This variant has not been reported in the literature in individuals affected with ALMS1-related conditions. For these reasons, this variant has been classified as Pathogenic.

Literature cited by the submitters: PubMed 17594715.

NM_001378454.1(ALMS1):c.9549del (p.Lys3184fs)

Gene: ALMS1 (ALMS1 centrosome and basal body associated protein; plus strand). Cytogenetic location: 2p13.1.
Variant type: Deletion.
Coding change: c.9549del on transcript NM_001378454.1 (MANE Select); coding-DNA position 9549, one base deleted (G; older notation c.9549delG).
Protein change: p.Lys3184fs; shifts the reading frame from lysine 3184.
Molecular consequence: frameshift variant.
Genome position (GRCh38, 1-based): chr2:73,519,784, G deleted. VCF-style (leftmost placement, unchanged base first): chr2-73519783-AG-A. GRCh37 (hg19) VCF-style: chr2-73746910-AG-A.
Other names: c.9552del, p.Lys3185fs (NM_015120.4); short protein forms K3185fs, K3184fs.
Identifiers: ClinVar variation 2693639 (VCV002693639.3), dbSNP rs2466303019, ClinGen allele CA2697548281.
Genomic context (GRCh38, chr2:73,519,783, plus strand): 5'-TCTCTAATGGCCAAGGATATAATCTGCTGTATTCTTTCTCTTTTTTGGTCAGATTACCAG[AG>A]AAGATGAAGACCCCACTTTCTGCTTTCTCTGAAAAATTGTCATCTGATGCAGTCACTCAG-3'